The following is an entry in ClinVar:

NM_001267550.2(TTN):c.107173A>G (p.Ile35725Val)

Genes: TTN (titin; minus strand), TTN-AS1 (TTN antisense RNA 1; plus strand). Cytogenetic location: 2q31.2.
Variant type: single nucleotide variant.
Coding change: c.107173A>G on transcript NM_001267550.2 (MANE Select); coding-DNA position 107173, A replaced by G.
Protein change: p.Ile35725Val; replaces isoleucine 35725 with valine.
Molecular consequence: missense variant.
Genome position (GRCh38, 1-based): chr2:178,528,578, T>C on the plus strand (A>G on the coding strand, the complement: TTN is on the minus strand). VCF-style: chr2-178528578-T-C. GRCh37 (hg19) VCF-style: chr2-179393305-T-C.
Other names: c.102250A>G, p.Ile34084Val (NM_001256850.1); c.79978A>G, p.Ile26660Val (NM_003319.4); c.99469A>G, p.Ile33157Val (NM_133378.4); c.80353A>G, p.Ile26785Val (NM_133432.3); c.80554A>G, p.Ile26852Val (NM_133437.4); short protein forms I26785V, I34084V, I26852V, I33157V, I35725V, I26660V.
Identifiers: ClinVar variation 839563 (VCV000839563.8), dbSNP rs1687594887, ClinGen allele CA349401663.

ClinVar aggregate classification (germline): Uncertain significance (1 of 4 stars; one submission).

Conditions:
Dilated cardiomyopathy 1G (CMD1G). Identifiers: Orphanet 154, MedGen C1858763, MONDO:0011400, OMIM 604145.
Autosomal recessive limb-girdle muscular dystrophy type 2J (LGMDR10). Also called: Limb-girdle muscular dystrophy, type 2J; MUSCULAR DYSTROPHY, LIMB-GIRDLE, AUTOSOMAL RECESSIVE 10. Identifiers: Orphanet 140922, MedGen C1837342, MONDO:0012127, OMIM 608807.

Allele frequency attached by ClinVar (database versions not stated): gnomAD exomes below 0.00001.
gnomAD v4.1: 2 of 1,612,948 alleles (0.00012%); highest among the groups gnomAD compares: African/African-American, 0.0013%; no homozygotes.

Submission:

Labcorp Genetics (formerly Invitae), Labcorp
Classification: Uncertain significance for Dilated cardiomyopathy 1G; Autosomal recessive limb-girdle muscular dystrophy type 2J. Last evaluated: 2019-02-11. Review status: criteria provided, single submitter. Criteria: Invitae Variant Classification Sherloc (09022015). Collection method: clinical testing. Allele origin: germline.
Comment: The valine amino acid residue is found in multiple mammalian species, suggesting that this missense change does not adversely affect protein function. Algorithms developed to predict the effect of missense changes on protein structure and function are unavailable for the TTN gene. In summary, the available evidence is currently insufficient to determine the role of this variant in disease. Therefore, it has been classified as a Variant of Uncertain Significance. This variant is located in the M band of TTN (PMID: 25589632). Variants in this region may be relevant for neuromuscular disorders, but have not been definitively shown to cause cardiomyopathy (PMID: 23975875). This variant has not been reported in the literature in individuals with TTN-related conditions. This variant is not present in population databases (ExAC no frequency). This sequence change replaces isoleucine with valine at codon 35725 of the TTN protein (p.Ile35725Val). There is a small physicochemical difference between isoleucine and valine.

Literature cited by the submitters: PubMed 25589632; PubMed 23975875.